The following is an entry in ClinVar:

NM_002225.5(IVD):c.823G>C (p.Val275Leu)

Gene: IVD (isovaleryl-CoA dehydrogenase; plus strand). Cytogenetic location: 15q15.1.
Variant type: single nucleotide variant.
Coding change: c.823G>C on transcript NM_002225.5 (MANE Select); coding-DNA position 823, G replaced by C.
Protein change: p.Val275Leu; replaces valine 275 with leucine.
Molecular consequence: missense variant. On other transcripts: non-coding transcript variant (1).
Genome position (GRCh38, 1-based): chr15:40,414,927, G>C. VCF-style: chr15-40414927-G-C. GRCh37 (hg19) VCF-style: chr15-40707126-G-C.
Other names: c.733G>C, p.Val245Leu (NM_001159508.3); c.775G>C, p.Val259Leu (NM_001354597.3); c.823G>C, p.Val275Leu (NM_001354598.3, NM_001354601.3); c.910G>C, p.Val304Leu (NM_001354599.3, NM_001354600.3); short protein forms V275L, V304L, V259L, V245L.
Identifiers: ClinVar variation 887326 (VCV000887326.6), dbSNP rs757832700, ClinGen allele CA7480758.

ClinVar aggregate classification (germline): Conflicting classifications of pathogenicity. Review status: criteria provided, conflicting classifications (1 of 4 stars). 2 submissions from 2 submitters: Likely pathogenic (1); Uncertain significance (1). Last evaluated 2018-01-13.

Conditions:
Isovaleryl-CoA dehydrogenase deficiency (IVA). Also called: ISOVALERIC ACID CoA DEHYDROGENASE DEFICIENCY; Isovaleric acidemia; Classic Isovaleric Acidemia; IVD DEFICIENCY. Identifiers: Orphanet 33, MedGen C0268575, MONDO:0009475, OMIM 243500.

Allele frequency attached by ClinVar (database versions not stated): ExAC 0.00002; TOPMed 0.00004.
gnomAD v4.1: 23 of 1,614,030 alleles (0.0014%); highest among the groups gnomAD compares: East Asian, 0.027%; no homozygotes.

Submissions (2):

Illumina Laboratory Services, Illumina
Classification: Uncertain significance for Isovaleryl-CoA dehydrogenase deficiency. Last evaluated: 2018-01-13. Review status: criteria provided, single submitter. Criteria: ICSL Variant Classification Criteria 13 December 2019. Collection method: clinical testing. Allele origin: germline.

Juno Genomics, Hangzhou Juno Genomics, Inc
Classification: Likely pathogenic for Isovaleryl-CoA dehydrogenase deficiency. Review status: criteria provided, single submitter. Criteria: ACMG Guidelines, 2015. Collection method: clinical testing. Allele origin: germline. Affected: yes.
Comment: Absent from controls (or at extremely low frequency if recessive) in Genome Aggregation Database, Exome Sequencing Project, 1000 Genomes Project, or Exome Aggregation Consortium.;Multiple lines of computational evidence support a deleterious effect on the gene or gene product (conservation, evolutionary, splicing impact, etc).;For recessive disorders, detected in trans with a pathogenic variant.;Patient's phenotype or family history is highly specific for a disease with a single genetic etiology.